The following is an entry in ClinVar:

ClinVar aggregate classification (germline): Benign/Likely benign. Review status: criteria provided, multiple submitters, no conflicts (2 of 4 stars). 4 submissions from 4 submitters: Benign (2); Likely benign (1). 1 of the submissions does not count toward it. Last evaluated 2026-06-01.

Conditions:
Congenital dyserythropoietic anemia, type II (CDAN2). Also called: DYSERYTHROPOIETIC ANEMIA, HEMPAS TYPE. Identifiers: Orphanet 98873, MedGen C1306589, MONDO:0009134, OMIM 224100.
Cowden syndrome 7 (CWS7). Identifiers: Orphanet 201, MedGen C4225179, MONDO:0014802, OMIM 616858.
SEC23B-related disorder. Also called: SEC23B-related disorders; SEC23B-related condition.

Allele frequency attached by ClinVar (database versions not stated): TOPMed 0.00045; 1000 Genomes Project 30x 0.00109; 1000 Genomes Project 0.00120; gnomAD 0.00139.

Submissions (4):

CeGaT Center for Human Genetics Tuebingen
Classification: Likely benign. Last evaluated: 2026-06-01. Review status: criteria provided, single submitter. Criteria: CeGaT Center For Human Genetics Tuebingen Variant Classification Criteria Version 2. Collection method: clinical testing. Allele origin: germline. Affected: yes. Observed: 8 variant alleles.
Comment: SEC23B: BS2

Blueprint Genetics
Classification: Benign. Last evaluated: 2024-11-05. Review status: criteria provided, single submitter. Criteria: ACMG Guidelines, 2015. Collection method: clinical testing. Allele origin: germline.

Labcorp Genetics (formerly Invitae), Labcorp
Classification: Benign for Congenital dyserythropoietic anemia, type II; Cowden syndrome 7. Last evaluated: 2022-01-19. Review status: criteria provided, single submitter. Criteria: Invitae Variant Classification Sherloc (09022015). Collection method: clinical testing. Allele origin: germline.

PreventionGenetics, part of Exact Sciences
Classification: Benign for SEC23B-related condition. Last evaluated: 2019-04-01. Review status: no assertion criteria provided. Collection method: clinical testing. Allele origin: germline. Not counted in ClinVar's aggregate classification.
Comment: This variant is classified as benign based on ACMG/AMP sequence variant interpretation guidelines (Richards et al. 2015 PMID: 25741868, with internal and published modifications).

NC_000020.11:g.18507416A>G

Gene: SEC23B (SEC23 homolog B, COPII component; plus strand). Cytogenetic location: 20p11.23.
Variant type: single nucleotide variant.
Genome position: GRCh38 VCF-style: chr20-18507416-A-G. GRCh37 (hg19) VCF-style: chr20-18488060-A-G.
Identifiers: ClinVar variation 1971626 (VCV001971626.25), dbSNP rs559854357, ClinGen allele CA15959912.